The following is an entry in ClinVar:

NM_000545.8(HNF1A):c.1768+1G>A

Gene: HNF1A (HNF1 homeobox A; plus strand). Cytogenetic location: 12q24.31.
Variant type: single nucleotide variant.
Coding change: c.1768+1G>A on transcript NM_000545.8 (MANE Select); the canonical splice donor site of the intron after coding-DNA position 1768, G replaced by A.
Molecular consequence: splice donor variant.
Genome position (GRCh38, 1-based): chr12:120,999,628, G>A. VCF-style: chr12-120999628-G-A. GRCh37 (hg19) VCF-style: chr12-121437431-G-A.
Other names: c.1789+1G>A (NM_001306179.2); c.1576+1G>A (NM_001406915.1).
Identifiers: ClinVar variation 871739 (VCV000871739.43), dbSNP rs1877324101, ClinGen allele CA386973444.
Genomic context (GRCh38, chr12:120,999,628, plus strand): 5'-AGGACCCTGCCAGCATCCAGCACCTGCAGCCGGCCCACCGGCTCAGCGCCAGCCCCACAG[G>A]TGAGAGGCCCTGGCTCCACCCCCTCCCTTACTGTCCCTGCCCCCTTCCATGTTGGTCCCA-3'

ClinVar aggregate classification (germline): Pathogenic. Review status: reviewed by expert panel (3 of 4 stars). 3 submissions from 3 submitters: Pathogenic (1). 2 of the submissions do not count toward it. Last evaluated 2022-06-03.

Conditions:
Monogenic diabetes. Identifiers: Orphanet 183625, MedGen C3888631, MONDO:0015967.
Maturity-onset diabetes of the young (MODY). Also called: Maturity onset diabetes mellitus in young. Identifiers: Orphanet 552, MedGen C0342276, MONDO:0018911, HP:0004904.

Submissions (3):

ClinGen Monogenic Diabetes Variant Curation Expert Panel
Classification: Pathogenic for Monogenic diabetes. Last evaluated: 2022-06-03. Review status: reviewed by expert panel. Criteria: ClinGen Diabetes ACMG Specifications v1 1. Collection method: curation. Allele origin: germline. Inheritance: Autosomal dominant inheritance.
Comment: The c.1768+1G>A variant in the HNF1 homeobox A gene, HNF1A, is predicted to remove a canonical splice donor site in intron 9 of NM_000545.8. This variant is predicted to cause skipping of biologically-relevant exon 9 of 10, resulting in a frameshift, leading to nonsense mediated decay in a gene in which loss-of-function is an established disease mechanism (PVS1; PMID: 23348805). This variant also segregated with diabetes, with 7 informative meioses in 1 family with MODY (PP1_Strong; PMID: 8945470). This variant is absent from gnomAD v2.1.1 (PM2_Supporting). This variant was identified in three unrelated individuals with non-autoimmune and non-absolute/near-absolute insulin-deficient diabetes; however, PS4_Moderate cannot be applied because this number is below the ClinGen MDEP threshold (PMID: 8945470, internal lab contributors). One of these individuals had a clinical history suggestive of HNF1A-MODY (MODY probability calculator result nearly 50%); however, HNF4A was not tested (internal lab contributors). Therefore, PP4 could not be applied. In summary, c.1768+1G>A meets the criteria to be classified as pathogenic for monogenic diabetes. ACMG/AMP criteria applied, as specified by the ClinGen MDEP (specification version 1.1, approved 9/30/2021): PVS1, PP1_Strong, PM2_Supporting.

CeGaT Center for Human Genetics Tuebingen
Classification: Pathogenic. Last evaluated: 2019-07-01. Review status: criteria provided, single submitter. Criteria: CeGaT Center For Human Genetics Tuebingen Variant Classification Criteria Version 2. Collection method: clinical testing. Allele origin: germline. Affected: yes. Observed: 1 variant allele. Not counted in ClinVar's aggregate classification.

Clinical Genomics, Uppaluri K&H Personalized Medicine Clinic
Classification: Likely pathogenic for Maturity-onset diabetes of the young. Review status: criteria provided, single submitter. Criteria: K & H Uppaluri Personalized Medicine Clinic Variant Classification & Assertion Criteria_Updated V.1. Collection method: research. Allele origin: unknown. Inheritance: Autosomal dominant inheritance. Not counted in ClinVar's aggregate classification.
Comment: Mutations in HNF1A gene can predispose to MODY3. It is associated with both micro and macrovascular complications of diabetes, especially cardiovascular complications. Associated with glucosuria. May respond well to sulfonylureas. However, more evidence is required to confer the association of this particular variant rs1877324101 with MODY3.

Literature cited by the submitters: PubMed 31517624 (cited by Clinical Genomics, Uppaluri K&H Personalized Medicine Clinic); PubMed 32395877 (cited by Clinical Genomics, Uppaluri K&H Personalized Medicine Clinic); PubMed 35328643 (cited by Clinical Genomics, Uppaluri K&H Personalized Medicine Clinic); PubMed 35673428 (cited by Clinical Genomics, Uppaluri K&H Personalized Medicine Clinic).